The following is an entry in ClinVar:

NM_213599.3(ANO5):c.326G>A (p.Arg109Lys)

Gene: ANO5 (anoctamin 5; plus strand). Cytogenetic location: 11p14.3.
Variant type: single nucleotide variant.
Coding change: c.326G>A on transcript NM_213599.3 (MANE Select); coding-DNA position 326, G replaced by A.
Protein change: p.Arg109Lys; replaces arginine 109 with lysine.
Molecular consequence: missense variant.
Genome position (GRCh38, 1-based): chr11:22,226,015, G>A. VCF-style: chr11-22226015-G-A. GRCh37 (hg19) VCF-style: chr11-22247561-G-A.
Other names: c.323G>A, p.Arg108Lys (NM_001142649.2); c.284G>A, p.Arg95Lys (NM_001410963.1, NM_001441298.1, NM_001441300.1); c.281G>A, p.Arg94Lys (NM_001410964.1, NM_001441299.1, NM_001441301.1); c.248G>A, p.Arg83Lys (NM_001441294.1); c.245G>A, p.Arg82Lys (NM_001441295.1); c.233G>A, p.Arg78Lys (NM_001441296.1, NM_001441302.1); c.206G>A, p.Arg69Lys (NM_001441297.1); short protein forms R82K, R83K, R95K, R109K, R94K, R108K, R69K, R78K.
Identifiers: ClinVar variation 4789392 (VCV004789392.1).

ClinVar aggregate classification (germline): Uncertain significance (1 of 4 stars; one submission).

Conditions:
Gnathodiaphyseal dysplasia (GDD). Also called: GNATHODIAPHYSEAL SCLEROSIS; OSTEOGENESIS IMPERFECTA WITH UNUSUAL SKELETAL LESIONS. Identifiers: Orphanet 53697, MedGen C1833736, MONDO:0008151, OMIM 166260.
Autosomal recessive limb-girdle muscular dystrophy type 2L (LGMDR12). Also called: Limb-girdle muscular dystrophy, type 2L; MUSCULAR DYSTROPHY, LIMB-GIRDLE, AUTOSOMAL RECESSIVE 12; Limb-Girdle Muscular Dystrophy R12 Anoctamin-5-Related (LGMD-R12). Identifiers: Orphanet 206549, MedGen C1969785, MONDO:0012652, OMIM 611307.

Submission:

Labcorp Genetics (formerly Invitae), Labcorp
Classification: Uncertain significance for Autosomal recessive limb-girdle muscular dystrophy type 2L; Gnathodiaphyseal dysplasia. Last evaluated: 2025-10-14. Review status: criteria provided, single submitter. Criteria: Invitae Variant Classification Sherloc (09022015). Collection method: clinical testing. Allele origin: germline.
Comment: This sequence change replaces arginine, which is basic and polar, with lysine, which is basic and polar, at codon 109 of the ANO5 protein (p.Arg109Lys). This variant is not present in population databases (gnomAD no frequency). This variant has not been reported in the literature in individuals affected with ANO5-related conditions. Invitae Evidence Modeling of protein sequence and biophysical properties (such as structural, functional, and spatial information, amino acid conservation, physicochemical variation, residue mobility, and thermodynamic stability) indicates that this missense variant is not expected to disrupt ANO5 protein function with a negative predictive value of 80%. In summary, the available evidence is currently insufficient to determine the role of this variant in disease. Therefore, it has been classified as a Variant of Uncertain Significance.